The following is an entry in ClinVar:

NC_000022.10:g.(?_18899287)_(18925066_?)dup

Genes: DGCR6 (DiGeorge syndrome critical region gene 6; plus strand), PRODH (proline dehydrogenase 1; minus strand). Cytogenetic location: 22q11.21.
Variant type: Duplication.
Identifiers: ClinVar variation 1015845 (VCV001015845.2).

ClinVar aggregate classification (germline): Uncertain significance (1 of 4 stars; one submission).

Conditions:
Proline dehydrogenase deficiency (HYRPRO1). Also called: Hyperprolinemia type 1; PROLINE OXIDASE DEFICIENCY. Identifiers: Orphanet 419, MedGen C0268529, MONDO:0009400, OMIM 239500.

Submission:

Labcorp Genetics (formerly Invitae), Labcorp
Classification: Uncertain significance for Proline dehydrogenase deficiency. Last evaluated: 2020-03-12. Review status: criteria provided, single submitter. Criteria: Invitae Variant Classification Sherloc (09022015). Collection method: clinical testing. Allele origin: germline.
Comment: This variant results in a copy number gain of the genomic region encompassing the full coding sequence of the PRODH gene. The boundaries of this event are unknown as they extend beyond the assayed region for this gene and therefore may encompass additional genes. As the precise location of this event is unknown, it may be in tandem or it may be located elsewhere in the genome. This variant has not been reported in the literature in individuals with PRODH-related conditions. In summary, the available evidence is currently insufficient to determine the role of this variant in disease. Therefore, it has been classified as a Variant of Uncertain Significance.